The following is an entry in ClinVar:

NM_001291415.2(KDM6A):c.3371GGA[5] (p.Arg1127dup)

Gene: KDM6A (lysine demethylase 6A; plus strand). Cytogenetic location: Xp11.3.
Variant type: Microsatellite.
Coding change: c.3371GGA[5] on transcript NM_001291415.2 (MANE Select); five copies in a row of the 3-base unit GGA starting at c.3371; the reference has four copies in a row; one copy, 3 bases duplicated.
Protein change: p.Arg1127dup; duplicates arginine 1127.
Molecular consequence: inframe insertion. On other transcripts: non-coding transcript variant (1).
Genome position (GRCh38, 1-based): chrX:45,082,729-45,082,731, GGA duplicated; duplicating any 3 consecutive bases within chrX:45,082,720-45,082,731 gives the same sequence; the position shown is the placement nearest the transcript's 3' end. VCF-style (leftmost placement, unchanged base first): chrX-45082719-G-GGGA. GRCh37 (hg19) VCF-style: chrX-44941964-G-GGGA.
Other names: c.3236GGA[5], p.Arg1082dup (NM_001291416.2); c.3080GGA[5], p.Arg1030dup (NM_001291417.2); c.2978GGA[5], p.Arg996dup (NM_001291418.2); c.2327GGA[5], p.Arg779dup (NM_001291421.2); c.3215GGA[5], p.Arg1075dup (NM_021140.4).
Identifiers: ClinVar variation 1304546 (VCV001304546.7), dbSNP rs1569538311, ClinGen allele CA920407838.

ClinVar aggregate classification (germline): Uncertain significance. Review status: criteria provided, multiple submitters, no conflicts (2 of 4 stars). 2 submissions from 2 submitters: Uncertain significance (2). Last evaluated 2025-06-08.

Conditions:
Kabuki syndrome 2 (KABUK2). Also called: KDM6A-Related Kabuki Syndrome. Identifiers: Orphanet 2322, MedGen C3275495, MONDO:0010465, OMIM 300867.

Submissions (2):

Labcorp Genetics (formerly Invitae), Labcorp
Classification: Uncertain significance for Kabuki syndrome 2. Last evaluated: 2025-06-08. Review status: criteria provided, single submitter. Criteria: Invitae Variant Classification Sherloc (09022015). Collection method: clinical testing. Allele origin: germline.
Comment: This variant, c.3224_3226dup, results in the insertion of 1 amino acid(s) of the KDM6A protein (p.Arg1075dup), but otherwise preserves the integrity of the reading frame. This variant is not present in population databases (gnomAD no frequency). This variant has been observed in individual(s) with a developmental disorder (PMID: 29276005). Experimental studies and prediction algorithms are not available or were not evaluated, and the functional significance of this variant is currently unknown. In summary, the available evidence is currently insufficient to determine the role of this variant in disease. Therefore, it has been classified as a Variant of Uncertain Significance.

GeneDx
Classification: Uncertain significance. Last evaluated: 2023-02-08. Review status: criteria provided, single submitter. Criteria: GeneDx Variant Classification Process June 2021. Collection method: clinical testing. Allele origin: germline. Affected: yes.
Comment: Identified in a patient with a developmental disorder in published literature (Faundes et al., 2018); In-frame insertion of one amino acid in a non-repeat region; This variant is associated with the following publications: (PMID: 29276005)

Literature cited by the submitters: PubMed 29276005 (cited by Labcorp Genetics (formerly Invitae), Labcorp).